The following is an entry in ClinVar:

ClinVar aggregate classification (germline): Pathogenic (1 of 4 stars; one submission).

Conditions:
Cystic fibrosis (CF). Also called: MUCOVISCIDOSIS. Identifiers: Orphanet 586, MedGen C0010674, MONDO:0009061, OMIM 219700. Disease mechanism: loss of function.

Submission:

Women's Health and Genetics/Laboratory Corporation of America, LabCorp
Classification: Pathogenic for Cystic fibrosis. Last evaluated: 2024-03-26. Review status: criteria provided, single submitter. Criteria: LabCorp Variant Classification Summary - May 2015. Collection method: clinical testing. Allele origin: germline.
Comment: Variant summary: The variant involves the deletion of exon 13 in the CFTR gene. A presumed nomenclature of c.(1679+1_1680-1)_(1766+1_1767-1)del has been designated for the purposes of this classification. This Copy Number Variant (CNV) is predicted to result in an in-frame deletion within this gene. The variant was absent in 21694 control chromosomes (gnomAD, structural variants dataset). To our knowledge, no occurrence of c.(1679+1_1680-1)_(1766+1_1767-1)del in individuals affected with Cystic Fibrosis and no experimental evidence demonstrating its impact on protein function have been reported. However, there are multiple pathogenic missense variants located in the deleted region, indicating it is important for CFTR function. No submitters have cited clinical-significance assessments for this variant to ClinVar. Based on the evidence outlined above, the variant was classified as pathogenic.

NC_000007.13:g.(117227888_117230406)_(117230494_117231987)del

Gene: CFTR (CF transmembrane conductance regulator; plus strand). Cytogenetic location: 7q31.2.
Variant type: Deletion.
Identifiers: ClinVar variation 3233767 (VCV003233767.2).